The following is an entry in ClinVar:

NM_000218.3(KCNQ1):c.1331C>A (p.Thr444Lys)

Gene: KCNQ1 (potassium voltage-gated channel subfamily Q member 1; plus strand). Cytogenetic location: 11p15.5.
Variant type: single nucleotide variant.
Coding change: c.1331C>A on transcript NM_000218.3 (MANE Select); coding-DNA position 1331, C replaced by A.
Protein change: p.Thr444Lys; replaces threonine 444 with lysine.
Molecular consequence: missense variant.
Genome position (GRCh38, 1-based): chr11:2,588,792, C>A. VCF-style: chr11-2588792-C-A. GRCh37 (hg19) VCF-style: chr11-2610022-C-A.
Other names: c.1235C>A, p.Thr412Lys (NM_001406836.1); c.1061C>A, p.Thr354Lys (NM_001406837.1); c.791C>A, p.Thr264Lys (NM_001406838.1); c.950C>A, p.Thr317Lys (NM_181798.2); short protein forms T354K, T412K, T444K, T264K, T317K.
Identifiers: ClinVar variation 2773476 (VCV002773476.2), dbSNP rs749086979, ClinGen allele CA028614.

ClinVar aggregate classification (germline): Uncertain significance (1 of 4 stars; one submission).

Conditions:
Cardiac arrhythmia. Also called: Arrhythmia; Cardiac rhythm disease. Identifiers: MedGen C0003811, MONDO:0007263, HP:0011675.

gnomAD v4.1: 3 of 1,613,460 alleles (0.00019%); highest among the groups gnomAD compares: South Asian, 0.0033%; no homozygotes.

Submission:

Color Diagnostics, LLC DBA Color Health
Classification: Uncertain significance for Cardiac arrhythmia. Last evaluated: 2023-09-06. Review status: criteria provided, single submitter. Criteria: ACMG Guidelines, 2015. Collection method: clinical testing. Allele origin: germline.
Comment: This missense variant replaces threonine with lysine at codon 444 of the KCNQ1 protein. Computational prediction is inconclusive regarding the impact of this variant on protein structure and function (internally defined REVEL score threshold 0.5 < inconclusive < 0.7, PMID: 27666373). To our knowledge, functional studies have not been reported for this variant. This variant has not been reported in individuals affected with KCNQ1-related disorders in the literature. This variant has been identified in 1/250548 chromosomes in the general population by the Genome Aggregation Database (gnomAD). The available evidence is insufficient to determine the role of this variant in disease conclusively. Therefore, this variant is classified as a Variant of Uncertain Significance.